The following is an entry in ClinVar:

ClinVar aggregate classification (germline): Uncertain significance (1 of 4 stars; one submission).

Submission:

Labcorp Genetics (formerly Invitae), Labcorp
Classification: Uncertain significance. Last evaluated: 2025-07-06. Review status: criteria provided, single submitter. Criteria: Invitae Variant Classification Sherloc (09022015). Collection method: clinical testing. Allele origin: germline.
Comment: This sequence change replaces proline, which is neutral and non-polar, with serine, which is neutral and polar, at codon 407 of the TNNI3K protein (p.Pro407Ser). This variant is not present in population databases (gnomAD no frequency). This variant has not been reported in the literature in individuals affected with TNNI3K-related conditions. Invitae Evidence Modeling of protein sequence and biophysical properties (such as structural, functional, and spatial information, amino acid conservation, physicochemical variation, residue mobility, and thermodynamic stability) indicates that this missense variant is not expected to disrupt TNNI3K protein function with a negative predictive value of 80%. In summary, the available evidence is currently insufficient to determine the role of this variant in disease. Therefore, it has been classified as a Variant of Uncertain Significance.

NM_015978.3(TNNI3K):c.1219C>T (p.Pro407Ser)

Genes: FPGT-TNNI3K (FPGT-TNNI3K readthrough; plus strand), TNNI3K (TNNI3 interacting kinase; plus strand). Cytogenetic location: 1p31.1.
Variant type: single nucleotide variant.
Coding change: c.1219C>T on transcript NM_015978.3 (MANE Select); coding-DNA position 1219, C replaced by T.
Protein change: p.Pro407Ser; replaces proline 407 with serine.
Molecular consequence: missense variant.
Genome position (GRCh38, 1-based): chr1:74,367,297, C>T. VCF-style: chr1-74367297-C-T. GRCh37 (hg19) VCF-style: chr1-74832981-C-T.
Other names: c.1522C>T, p.Pro508Ser (NM_001112808.3, NM_001199327.2); short protein forms P407S, P508S.
Identifiers: ClinVar variation 4804566 (VCV004804566.1).